The following is an entry in ClinVar:

ClinVar aggregate classification (germline): Conflicting classifications of pathogenicity. Review status: criteria provided, conflicting classifications (1 of 4 stars). 3 submissions from 3 submitters: Likely pathogenic (1); Uncertain significance (2). Last evaluated 2025-09-16.

Conditions:
Cardiomyopathy, familial restrictive, 1. Identifiers: Orphanet 75249, MedGen C1861861, MONDO:0007270, OMIM 115210.
Hypertrophic cardiomyopathy 7. Also called: TNNI3-Related Familial Hypertrophic Cardiomyopathy; Familial hypertrophic cardiomyopathy 7; CARDIOMYOPATHY, FAMILIAL HYPERTROPHIC, 7, MODIFIER OF. Identifiers: MedGen C1860752, MONDO:0013369, OMIM 613690.
Dilated cardiomyopathy 2A (CMD2A). Also called: CARDIOMYOPATHY, CONGESTIVE, AUTOSOMAL RECESSIVE; CARDIOMYOPATHY, DILATED, AUTOSOMAL RECESSIVE. Identifiers: Orphanet 154, MedGen C2678474, MONDO:0012746, OMIM 611880.
Dilated cardiomyopathy 1FF (CMD1FF). Identifiers: Orphanet 154, MedGen C2750091, MONDO:0013211, OMIM 613286.
Hypertrophic cardiomyopathy. Also called: HYPERTROPHIC MYOCARDIOPATHY. Identifiers: Orphanet 217569, MedGen C0007194, MeSH D002312, MONDO:0005045, HP:0001639.

Allele frequency attached by ClinVar (database versions not stated): TOPMed below 0.00001; gnomAD 0.00001.
gnomAD v4.1: 1 of 1,586,708 alleles (0.000063%); highest among the groups gnomAD compares: Non-Finnish European, 0.000085%; no homozygotes.

Submissions (3):

Labcorp Genetics (formerly Invitae), Labcorp
Classification: Likely pathogenic for Hypertrophic cardiomyopathy. Last evaluated: 2025-09-16. Review status: criteria provided, single submitter. Criteria: Invitae Variant Classification Sherloc (09022015). Collection method: clinical testing. Allele origin: germline.
Comment: This sequence change affects a donor splice site in intron 3 of the TNNI3 gene. It is expected to disrupt RNA splicing. Variants that disrupt the donor or acceptor splice site typically lead to a loss of protein function (PMID: 16199547), and loss-of-function variants in TNNI3 are known to be pathogenic (PMID: 31568572, 34036930, 35838873). This variant is not present in population databases (gnomAD no frequency). This variant has not been reported in the literature in individuals affected with TNNI3-related conditions. ClinVar contains an entry for this variant (Variation ID: 378932). Algorithms developed to predict the effect of sequence changes on RNA splicing suggest that this variant may disrupt the consensus splice site. In summary, the currently available evidence indicates that the variant is pathogenic, but additional data are needed to prove that conclusively. Therefore, this variant has been classified as Likely Pathogenic.

Fulgent Genetics
Classification: Uncertain significance for Cardiomyopathy, familial restrictive, 1; Dilated cardiomyopathy 2A; Dilated cardiomyopathy 1FF; Hypertrophic cardiomyopathy 7. Last evaluated: 2021-09-09. Review status: criteria provided, single submitter. Criteria: ACMG Guidelines, 2015. Collection method: clinical testing. Allele origin: unknown.

GeneDx
Classification: Uncertain significance. Last evaluated: 2021-01-20. Review status: criteria provided, single submitter. Criteria: GeneDx Variant Classification (06012015). Collection method: clinical testing. Allele origin: germline. Affected: yes.
Comment: Has not been previously published as pathogenic or benign to our knowledge Not observed in large population cohorts (Lek et al., 2016) Canonical splice site variant in a gene for which loss-of-function is not a known mechanism of disease

Literature cited by the submitters: PubMed 16199547 (cited by Labcorp Genetics (formerly Invitae), Labcorp); PubMed 31568572 (cited by Labcorp Genetics (formerly Invitae), Labcorp); PubMed 34036930 (cited by Labcorp Genetics (formerly Invitae), Labcorp); PubMed 35838873 (cited by Labcorp Genetics (formerly Invitae), Labcorp).

NM_000363.5(TNNI3):c.108+2T>G

Gene: TNNI3 (troponin I3, cardiac type; minus strand). Cytogenetic location: 19q13.42.
Variant type: single nucleotide variant.
Coding change: c.108+2T>G on transcript NM_000363.5 (MANE Select); the canonical splice donor site of the intron after coding-DNA position 108, T replaced by G.
Molecular consequence: splice donor variant.
Genome position (GRCh38, 1-based): chr19:55,157,048, A>C on the plus strand (T>G on the coding strand, the complement: TNNI3 is on the minus strand). VCF-style: chr19-55157048-A-C. GRCh37 (hg19) VCF-style: chr19-55668416-A-C.
Identifiers: ClinVar variation 378932 (VCV000378932.7), dbSNP rs1057520417, ClinGen allele CA16608392.